The following is an entry in ClinVar:

NM_000203.5(IDUA):c.192C>A (p.Tyr64Ter)

Genes: IDUA (alpha-L-iduronidase; plus strand), SLC26A1 (solute carrier family 26 member 1; minus strand). Cytogenetic location: 4p16.3.
Variant type: single nucleotide variant.
Coding change: c.192C>A on transcript NM_000203.5 (MANE Select); coding-DNA position 192, C replaced by A.
Protein change: p.Tyr64Ter; replaces tyrosine 64 with a stop codon.
Molecular consequence: nonsense. On other transcripts: 3 prime UTR variant (2), non-coding transcript variant (1), intron variant (1).
Genome position (GRCh38, 1-based): chr4:987,842, C>A. VCF-style: chr4-987842-C-A. GRCh37 (hg19) VCF-style: chr4-981630-C-A.
Other names: c.*991G>T (NM_022042.4, NM_213613.4); c.576+3286G>T (NM_134425.4); c.192C>A (NM_000203.4); short protein forms Y64*.
Identifiers: ClinVar variation 11914 (VCV000011914.11), dbSNP rs121965022, ClinGen allele CA256113.
Genomic context (GRCh38, chr4:987,842, plus strand): 5'-ACTGAGCCGCCCCTTTGTTGTCCCCAGCCCCCCGCTGCCACACAGCCAGGCTGACCAGTA[C>A]GTCCTCAGCTGGGACCAGCAGCTCAACCTCGCCTATGTGGGCGCCGTCCCTCACCGCGGC-3'

ClinVar aggregate classification (germline): Pathogenic. Review status: criteria provided, multiple submitters, no conflicts (2 of 4 stars). 5 submissions from 5 submitters: Pathogenic (3). 2 of the submissions do not count toward it. Last evaluated 2025-08-14.

Conditions:
Mucopolysaccharidosis type 1. Also called: Mucopolysaccharidosis Type I; IDUA deficiency; MPS I. Identifiers: Orphanet 579, MedGen C0023786, MONDO:0001586.
Hurler syndrome. Also called: Severe MPS I (Hurler Syndrome); Gargoylism, Hurler Syndrome; MUCOPOLYSACCHARIDOSIS TYPE IH. Identifiers: Orphanet 93473, MedGen C0086795, MONDO:0011758, OMIM 607014.

gnomAD v4.1: 6 of 1,612,480 alleles (0.00037%); highest among the groups gnomAD compares: Non-Finnish European, 0.00042%; no homozygotes.

Submissions (5):

Labcorp Genetics (formerly Invitae), Labcorp
Classification: Pathogenic for Mucopolysaccharidosis type 1. Last evaluated: 2025-08-14. Review status: criteria provided, single submitter. Criteria: Invitae Variant Classification Sherloc (09022015). Collection method: clinical testing. Allele origin: germline.
Comment: This sequence change creates a premature translational stop signal (p.Tyr64*) in the IDUA gene. It is expected to result in an absent or disrupted protein product. Loss-of-function variants in IDUA are known to be pathogenic (PMID: 11735025, 21480867). This variant is not present in population databases (gnomAD no frequency). This premature translational stop signal has been observed in individual(s) with clinical features of mucopolysaccharidosis type I (PMID: 8328452). ClinVar contains an entry for this variant (Variation ID: 11914). For these reasons, this variant has been classified as Pathogenic.

Women's Health and Genetics/Laboratory Corporation of America, LabCorp
Classification: Pathogenic for Mucopolysaccharidosis type 1. Last evaluated: 2023-05-25. Review status: criteria provided, single submitter. Criteria: LabCorp Variant Classification Summary - May 2015. Collection method: clinical testing. Allele origin: germline.
Comment: Variant summary: IDUA c.192C>A (p.Tyr64X) results in a premature termination codon, predicted to cause a truncation of the encoded protein or absence of the protein due to nonsense mediated decay, which are commonly known mechanisms for disease. Variants downstream of this position have been classified as pathogenic by our laboratory. The variant was absent in 243844 control chromosomes (gnomAD). c.192C>A has been reported in the literature in individuals affected with Mucopolysaccharidosis Type 1 (example: Bach_1993). These data indicate that the variant may be associated with disease. The following publication has been ascertained in the context of this evaluation (PMID: 8328452). Three clinical diagnostic laboratories have submitted clinical-significance assessments for this variant to ClinVar after 2014 and all classified the variant as pathogenic. Based on the evidence outlined above, the variant was classified as pathogenic.

Revvity Omics, Revvity
Classification: Pathogenic. Last evaluated: 2022-10-24. Review status: criteria provided, single submitter. Criteria: ACMG Guidelines, 2015. Collection method: clinical testing. Allele origin: germline.

Counsyl
Classification: Pathogenic for Hurler syndrome. Last evaluated: 2017-08-22. Review status: no assertion criteria provided. Collection method: clinical testing. Allele origin: unknown. Not counted in ClinVar's aggregate classification.

OMIM
Classification: Pathogenic for HURLER SYNDROME. Last evaluated: 1993-08-01. Review status: no assertion criteria provided. Collection method: literature only. Allele origin: germline. Not counted in ClinVar's aggregate classification.

Literature cited by the submitters: PubMed 11735025 (cited by Labcorp Genetics (formerly Invitae), Labcorp); PubMed 21480867 (cited by Labcorp Genetics (formerly Invitae), Labcorp); PubMed 8328452 (cited by 4 submitters); PubMed 23430803 (cited by Counsyl); PubMed 27511503 (cited by Counsyl); PubMed 6821579 (cited by OMIM); PubMed 8477267 (cited by OMIM).